The following is an entry in ClinVar:

ClinVar aggregate classification (germline): Uncertain significance (1 of 4 stars; one submission).

Submission:

Labcorp Genetics (formerly Invitae), Labcorp
Classification: Uncertain significance. Last evaluated: 2022-06-28. Review status: criteria provided, single submitter. Criteria: Invitae Variant Classification Sherloc (09022015). Collection method: clinical testing. Allele origin: germline.
Comment: This sequence change replaces glutamic acid, which is acidic and polar, with aspartic acid, which is acidic and polar, at codon 728 of the RP1 protein (p.Glu728Asp). This variant is not present in population databases (gnomAD no frequency). This variant has not been reported in the literature in individuals affected with RP1-related conditions. Algorithms developed to predict the effect of missense changes on protein structure and function (SIFT, PolyPhen-2, Align-GVGD) all suggest that this variant is likely to be tolerated. In summary, the available evidence is currently insufficient to determine the role of this variant in disease. Therefore, it has been classified as a Variant of Uncertain Significance.

NM_006269.2(RP1):c.2184G>C (p.Glu728Asp)

Gene: RP1 (RP1 axonemal microtubule associated; plus strand). Cytogenetic location: 8q12.1.
Variant type: single nucleotide variant.
Coding change: c.2184G>C on transcript NM_006269.2 (MANE Select); coding-DNA position 2184, G replaced by C.
Protein change: p.Glu728Asp; replaces glutamic acid 728 with aspartic acid.
Molecular consequence: missense variant. On other transcripts: intron variant (1).
Genome position (GRCh38, 1-based): chr8:54,626,066, G>C. VCF-style: chr8-54626066-G-C. GRCh37 (hg19) VCF-style: chr8-55538626-G-C.
Other names: c.787+3778G>C (NM_001375654.1); short protein forms E728D.
Identifiers: ClinVar variation 1391205 (VCV001391205.6), dbSNP rs2129316474, ClinGen allele CA370992918.